The following is an entry in ClinVar:

NM_022051.3(EGLN1):c.32C>G (p.Pro11Arg)

Gene: EGLN1 (egl-9 family hypoxia inducible factor 1; minus strand). Cytogenetic location: 1q42.2.
Variant type: single nucleotide variant.
Coding change: c.32C>G on transcript NM_022051.3 (MANE Select); coding-DNA position 32, C replaced by G.
Protein change: p.Pro11Arg; replaces proline 11 with arginine.
Molecular consequence: missense variant.
Genome position (GRCh38, 1-based): chr1:231,421,857, G>C on the plus strand (C>G on the coding strand, the complement: EGLN1 is on the minus strand). VCF-style: chr1-231421857-G-C. GRCh37 (hg19) VCF-style: chr1-231557603-G-C.
Other names: c.32C>G, p.Pro11Arg (NM_001377260.1, NM_001377261.1); short protein forms P11R.
Identifiers: ClinVar variation 2450373 (VCV002450373.3), dbSNP rs1198122970, ClinGen allele CA345239428.

ClinVar aggregate classification (germline): Uncertain significance (1 of 4 stars; one submission).

gnomAD v4.1: 2 of 1,474,890 alleles (0.00014%); highest among the groups gnomAD compares: Non-Finnish European, 0.00018%; no homozygotes.

Submission:

Ambry Genetics
Classification: Uncertain significance. Last evaluated: 2025-06-07. Review status: criteria provided, single submitter. Criteria: Ambry Variant Classification Scheme 2023. Collection method: clinical testing. Allele origin: germline.
Comment: The p.P11R variant (also known as c.32C>G), located in coding exon 1 of the EGLN1 gene, results from a C to G substitution at nucleotide position 32. The proline at codon 11 is replaced by arginine, an amino acid with dissimilar properties. This amino acid position is conserved. In addition, this alteration is predicted to be tolerated by in silico analysis. Since supporting evidence is limited at this time, the clinical significance of this alteration remains unclear.